The following is an entry in ClinVar:

ClinVar aggregate classification (germline): Uncertain significance (1 of 4 stars; one submission).

Conditions:
Hereditary cancer-predisposing syndrome. Also called: Tumor predisposition; Hereditary Cancer Syndrome; Hereditary neoplastic syndrome; Neoplastic Syndromes, Hereditary. Identifiers: Orphanet 140162, MedGen C0027672, MeSH D009386, MONDO:0015356.

Submission:

Ambry Genetics
Classification: Uncertain significance for Hereditary cancer-predisposing syndrome. Last evaluated: 2023-06-28. Review status: criteria provided, single submitter. Criteria: Ambry Variant Classification Scheme 2023. Collection method: clinical testing. Allele origin: germline.
Comment: The c.355+2T>C intronic variant results from a T to C substitution two nucleotides after coding exon 2 in the SMARCA4 gene. This nucleotide position is highly conserved in available vertebrate species. In silico splice site analysis predicts that this alteration will weaken the native splice donor site. Alterations that disrupt the canonical splice site are expected to cause aberrant splicing, resulting in an abnormal protein or a transcript that is subject to nonsense-mediated mRNA decay; however, +2T>C alterations are capable of generating wild-type transcripts in some genomic contexts and should be interpreted with caution (Lin JH et al. Hum Mutat. 2019 10;40:1856-1873). RNA studies have demonstrated that this alteration results in an incomplete splice defect; the clinical impact of this abnormal splicing is unknown at this time (Ambry internal data). Since supporting evidence is limited at this time, the clinical significance of this alteration remains unclear.

NM_003072.5(SMARCA4):c.355+2T>C

Gene: SMARCA4 (SWI/SNF related BAF chromatin remodeling complex subunit ATPase 4; plus strand). Cytogenetic location: 19p13.2.
Variant type: single nucleotide variant.
Coding change: c.355+2T>C on transcript NM_003072.5 (MANE Select); the canonical splice donor site of the intron after coding-DNA position 355, T replaced by C.
Molecular consequence: splice donor variant.
Genome position (GRCh38, 1-based): chr19:10,985,407, T>C. VCF-style: chr19-10985407-T-C. GRCh37 (hg19) VCF-style: chr19-11096083-T-C.
Other names: c.355+2T>C (NM_001128844.3, NM_001128849.3, NM_001128847.4 and 6 more transcripts).
Identifiers: ClinVar variation 2587112 (VCV002587112.2), dbSNP rs1599942345, ClinGen allele CA404055436.